The following is an entry in ClinVar:

ClinVar aggregate classification (germline): Benign. Review status: criteria provided, multiple submitters, no conflicts (2 of 4 stars). 3 submissions from 3 submitters: Benign (3). Last evaluated 2018-06-29.

Conditions:
Progressive familial intrahepatic cholestasis type 1. Also called: BYLER DISEASE; Byler's disease; Severe ATP8B1 Deficiency (Progressive Familial Intrahepatic Cholestasis Type 1 [PFIC1]). Identifiers: Orphanet 79306, MedGen C4551898, MONDO:0008892, OMIM 211600.

Allele frequency attached by ClinVar (database versions not stated): gnomAD exomes 0.27027; gnomAD 0.38084 and 0.38394; TOPMed 0.39527; 1000 Genomes Project 30x 0.47299; 1000 Genomes Project 0.47464.
gnomAD v4.1: 58,053 of 151,460 alleles (38%); highest among the groups gnomAD compares: East Asian, 68%; 12,007 homozygotes.

Submissions (3):

GeneDx
Classification: Benign. Last evaluated: 2018-06-29. Review status: criteria provided, single submitter. Criteria: GeneDx Variant Classification Process June 2021. Collection method: clinical testing. Allele origin: germline. Affected: yes.

Illumina Laboratory Services, Illumina
Classification: Benign for Progressive familial intrahepatic cholestasis type 1. Last evaluated: 2018-01-13. Review status: criteria provided, single submitter. Criteria: ICSL Variant Classification Criteria 13 December 2019. Collection method: clinical testing. Allele origin: germline.
Comment: This variant was observed in the ICSL laboratory as part of a predisposition screen in an ostensibly healthy population. It had not been previously curated by ICSL or reported in the Human Gene Mutation Database (HGMD: prior to June 1st, 2018), and was therefore a candidate for classification through an automated scoring system. Utilizing variant allele frequency, disease prevalence and penetrance estimates, and inheritance mode, an automated score was calculated to assess if this variant is too frequent to cause the disease. Based on the score and internal cut-off values, a variant classified as benign is not then subjected to further curation. The score for this variant resulted in a classification of benign for this disease.

Breakthrough Genomics
Classification: Benign. Review status: criteria provided, single submitter. Criteria: ACMG Guidelines, 2015. Collection method: not provided. Allele origin: germline. Inheritance: Autosomal recessive inheritance. Affected: yes.

NM_001374385.1(ATP8B1):c.-106C>T

Gene: ATP8B1 (ATPase phospholipid transporting 8B1; minus strand). Cytogenetic location: 18q21.31.
Variant type: single nucleotide variant.
Coding change: c.-106C>T on transcript NM_001374385.1 (MANE Select); 106 bases upstream of the start codon, C replaced by T.
Molecular consequence: 5 prime UTR variant.
Genome position (GRCh38, 1-based): chr18:57,803,078, G>A on the plus strand (C>T on the coding strand, the complement: ATP8B1 is on the minus strand). VCF-style: chr18-57803078-G-A. GRCh37 (hg19) VCF-style: chr18-55470310-G-A.
Other names: c.-158C>T (NM_001374386.1); c.-103C>T (NM_005603.6).
Identifiers: ClinVar variation 327500 (VCV000327500.8), dbSNP rs1848701, ClinGen allele CA10647955.